The following is an entry in ClinVar:

ClinVar aggregate classification (germline): Uncertain significance. Review status: criteria provided, multiple submitters, no conflicts (2 of 4 stars). 2 submissions from 2 submitters: Uncertain significance (2). Last evaluated 2023-10-30.

Conditions:
Inborn genetic diseases. Identifiers: MedGen C0950123, MeSH D030342.
Bardet-Biedl syndrome (BBS). Identifiers: Orphanet 110, MedGen C0752166, MONDO:0015229.

Allele frequency attached by ClinVar (database versions not stated): gnomAD 0.00001 and 0.00002; gnomAD exomes 0.00001; TOPMed 0.00002; ExAC 0.00004; 1000 Genomes Project 30x 0.00016; 1000 Genomes Project 0.00020.
gnomAD v4.1: 3 of 1,577,926 alleles (0.00019%); highest among the groups gnomAD compares: Admixed American, 0.0035%; no homozygotes.

Submissions (2):

Ambry Genetics
Classification: Uncertain significance for Inborn genetic diseases. Last evaluated: 2023-10-30. Review status: criteria provided, single submitter. Criteria: Ambry Variant Classification Scheme 2023. Collection method: clinical testing. Allele origin: germline.

Labcorp Genetics (formerly Invitae), Labcorp
Classification: Uncertain significance for Bardet-Biedl syndrome. Last evaluated: 2022-07-18. Review status: criteria provided, single submitter. Criteria: Invitae Variant Classification Sherloc (09022015). Collection method: clinical testing. Allele origin: germline.
Comment: This sequence change replaces aspartic acid, which is acidic and polar, with glutamic acid, which is acidic and polar, at codon 8 of the WDPCP protein (p.Asp8Glu). This variant is present in population databases (rs548483405, gnomAD 0.003%). This variant has not been reported in the literature in individuals affected with WDPCP-related conditions. ClinVar contains an entry for this variant (Variation ID: 1009147). Algorithms developed to predict the effect of missense changes on protein structure and function are either unavailable or do not agree on the potential impact of this missense change (SIFT: "Deleterious"; PolyPhen-2: "Benign"; Align-GVGD: "Class C0"). In summary, the available evidence is currently insufficient to determine the role of this variant in disease. Therefore, it has been classified as a Variant of Uncertain Significance.

NM_015910.7(WDPCP):c.24C>G (p.Asp8Glu)

Gene: WDPCP (WD repeat containing planar cell polarity effector; minus strand). Cytogenetic location: 2p15.
Variant type: single nucleotide variant.
Coding change: c.24C>G on transcript NM_015910.7 (MANE Select); coding-DNA position 24, C replaced by G.
Protein change: p.Asp8Glu; replaces aspartic acid 8 with glutamic acid.
Molecular consequence: missense variant. On other transcripts: 5 prime UTR variant (1), non-coding transcript variant (2).
Genome position (GRCh38, 1-based): chr2:63,588,248, G>C on the plus strand (C>G on the coding strand, the complement: WDPCP is on the minus strand). VCF-style: chr2-63588248-G-C. GRCh37 (hg19) VCF-style: chr2-63815382-G-C.
Other names: c.-301C>G (NM_001354044.2); c.24C>G, p.Asp8Glu (NM_001354045.2); c.24C>G (NM_015910.5); short protein forms D8E.
Identifiers: ClinVar variation 1009147 (VCV001009147.5), dbSNP rs548483405, ClinGen allele CA1682659.